The following is an entry in ClinVar:

NM_019066.5(MAGEL2):c.1427C>T (p.Pro476Leu)

Gene: MAGEL2 (MAGE family member L2; minus strand). Cytogenetic location: 15q11.2.
Variant type: single nucleotide variant.
Coding change: c.1427C>T on transcript NM_019066.5 (MANE Select); coding-DNA position 1427, C replaced by T.
Protein change: p.Pro476Leu; replaces proline 476 with leucine.
Molecular consequence: missense variant.
Genome position (GRCh38, 1-based): chr15:23,646,316, G>A on the plus strand (C>T on the coding strand, the complement: MAGEL2 is on the minus strand). VCF-style: chr15-23646316-G-A. GRCh37 (hg19) VCF-style: chr15-23891463-G-A.
Other names: short protein forms P476L.
Identifiers: ClinVar variation 1953999 (VCV001953999.5), dbSNP rs2503980760, ClinGen allele CA391334064.

ClinVar aggregate classification (germline): Uncertain significance (1 of 4 stars; one submission).

Submission:

Labcorp Genetics (formerly Invitae), Labcorp
Classification: Uncertain significance. Last evaluated: 2024-01-08. Review status: criteria provided, single submitter. Criteria: Invitae Variant Classification Sherloc (09022015). Collection method: clinical testing. Allele origin: germline.
Comment: This sequence change replaces proline, which is neutral and non-polar, with leucine, which is neutral and non-polar, at codon 476 of the MAGEL2 protein (p.Pro476Leu). This variant is not present in population databases (gnomAD no frequency). This variant has not been reported in the literature in individuals affected with MAGEL2-related conditions. ClinVar contains an entry for this variant (Variation ID: 1953999). Experimental studies and prediction algorithms are not available or were not evaluated, and the functional significance of this variant is currently unknown. In summary, the available evidence is currently insufficient to determine the role of this variant in disease. Therefore, it has been classified as a Variant of Uncertain Significance.